The following is an entry in ClinVar:

ClinVar aggregate classification (germline): Likely benign. Review status: criteria provided, single submitter (1 of 4 stars). 2 submissions from 2 submitters: Likely benign (1). 1 of the submissions does not count toward it. Last evaluated 2019-08-13.

Conditions:
SALL1-related disorder. Also called: SALL1-related condition.

Allele frequency attached by ClinVar (database versions not stated): gnomAD exomes below 0.00001; TOPMed below 0.00001.
gnomAD v4.1: 3 of 1,614,072 alleles (0.00019%); highest among the groups gnomAD compares: African/African-American, 0.004%; no homozygotes.

Submissions (2):

GeneDx
Classification: Likely benign. Last evaluated: 2019-08-13. Review status: criteria provided, single submitter. Criteria: GeneDx Variant Classification Process June 2021. Collection method: clinical testing. Allele origin: germline. Affected: yes.
Comment: In silico analysis, which includes splice predictors and evolutionary conservation, supports that this variant does not alter protein structure/function; Has not been previously published as pathogenic or benign to our knowledge

PreventionGenetics, part of Exact Sciences
Classification: Likely benign for SALL1-related condition. Last evaluated: 2024-04-05. Review status: no assertion criteria provided. Collection method: clinical testing. Allele origin: germline. Not counted in ClinVar's aggregate classification.
Comment: This variant is classified as likely benign based on ACMG/AMP sequence variant interpretation guidelines (Richards et al. 2015 PMID: 25741868, with internal and published modifications).

NM_002968.3(SALL1):c.939G>T (p.Val313=)

Gene: SALL1 (spalt like transcription factor 1; minus strand). Cytogenetic location: 16q12.1.
Variant type: single nucleotide variant.
Coding change: c.939G>T on transcript NM_002968.3 (MANE Select); coding-DNA position 939, G replaced by T.
Protein change: p.Val313=; no amino-acid change (valine 313 retained).
Molecular consequence: synonymous variant.
Genome position (GRCh38, 1-based): chr16:51,141,283, C>A on the plus strand (G>T on the coding strand, the complement: SALL1 is on the minus strand). VCF-style: chr16-51141283-C-A. GRCh37 (hg19) VCF-style: chr16-51175194-C-A.
Other names: c.648G>T, p.Val216= (NM_001127892.2).
Identifiers: ClinVar variation 1195812 (VCV001195812.3), dbSNP rs1377611548, ClinGen allele CA495781313.
Genomic context (GRCh38, chr16:51,141,283, plus strand): 5'-GGATGGAATGATGGTGTTGCCAGAACTGCTCTGAGGTAGCTGGATTGGGGGTAGCTGTTT[C>A]ACACCACTAATGCTGGCAGATTGGCTGGCGAGGCTCTGTGCCAATCCAGCTGCTGCTGCC-3'
Protein context (NP_002959.2, residues 303-323): LASQSASISG[Val313=]KQLPPIQLPQ